The following is an entry in ClinVar:

NM_001375905.1(SGMS2):c.605G>A (p.Arg202Gln)

Genes: CYP2U1-AS1 (CYP2U1 and SGMS2 antisense RNA 1; minus strand), SGMS2 (sphingomyelin synthase 2; plus strand). Cytogenetic location: 4q25.
Variant type: single nucleotide variant.
Coding change: c.605G>A on transcript NM_001375905.1 (MANE Select); coding-DNA position 605, G replaced by A.
Protein change: p.Arg202Gln; replaces arginine 202 with glutamine.
Molecular consequence: missense variant.
Genome position (GRCh38, 1-based): chr4:107,903,264, G>A. VCF-style: chr4-107903264-G-A. GRCh37 (hg19) VCF-style: chr4-108824420-G-A.
Other names: c.86G>A, p.Arg29Gln (NM_001375911.1); c.605G>A, p.Arg202Gln (NM_152621.6, NM_001136257.2, NM_001136258.2 and 4 more transcripts); short protein forms R29Q, R202Q.
Identifiers: ClinVar variation 2779249 (VCV002779249.3), dbSNP rs534700067, ClinGen allele CA3036818.

ClinVar aggregate classification (germline): Uncertain significance (1 of 4 stars; one submission).

Allele frequency attached by ClinVar (database versions not stated): 1000 Genomes Project 30x 0.00031; ExAC 0.00001; gnomAD 0.00001; TOPMed 0.00001; 1000 Genomes Project 0.00020.

Submission:

Labcorp Genetics (formerly Invitae), Labcorp
Classification: Uncertain significance. Last evaluated: 2023-02-22. Review status: criteria provided, single submitter. Criteria: Invitae Variant Classification Sherloc (09022015). Collection method: clinical testing. Allele origin: germline.
Comment: This variant is present in population databases (rs534700067, gnomAD 0.007%). This variant has not been reported in the literature in individuals affected with SGMS2-related conditions. Advanced modeling of protein sequence and biophysical properties (such as structural, functional, and spatial information, amino acid conservation, physicochemical variation, residue mobility, and thermodynamic stability) performed at Invitae indicates that this missense variant is not expected to disrupt SGMS2 protein function. In summary, the available evidence is currently insufficient to determine the role of this variant in disease. Therefore, it has been classified as a Variant of Uncertain Significance. This sequence change replaces arginine, which is basic and polar, with glutamine, which is neutral and polar, at codon 202 of the SGMS2 protein (p.Arg202Gln).